The following is an entry in ClinVar:

NM_001164508.2(NEB):c.9883C>T (p.Arg3295Trp)

Gene: NEB (nebulin; minus strand). Cytogenetic location: 2q23.3.
Variant type: single nucleotide variant.
Coding change: c.9883C>T on transcript NM_001164508.2 (MANE Select); coding-DNA position 9883, C replaced by T.
Protein change: p.Arg3295Trp; replaces arginine 3295 with tryptophan.
Molecular consequence: missense variant.
Genome position (GRCh38, 1-based): chr2:151,627,783, G>A on the plus strand (C>T on the coding strand, the complement: NEB is on the minus strand). VCF-style: chr2-151627783-G-A. GRCh37 (hg19) VCF-style: chr2-152484297-G-A.
Other names: c.9883C>T, p.Arg3295Trp (NM_001164507.2, NM_001271208.2); c.9154C>T, p.Arg3052Trp (NM_004543.5); short protein forms R3052W, R3295W.
Identifiers: ClinVar variation 968450 (VCV000968450.16), dbSNP rs750990726, ClinGen allele CA1909169.

ClinVar aggregate classification (germline): Uncertain significance. Review status: criteria provided, multiple submitters, no conflicts (2 of 4 stars). 5 submissions from 5 submitters: Uncertain significance (3). 2 of the submissions do not count toward it. Last evaluated 2026-01-12.

Conditions:
Nemaline myopathy 2 (NEM2). Also called: Nemaline myopathy 2, autosomal recessive. Identifiers: MedGen C1850569, MONDO:0009725, OMIM 256030.

Allele frequency attached by ClinVar (database versions not stated): TOPMed 0.00003; gnomAD exomes 0.00004; gnomAD 0.00005 and 0.00006; ExAC 0.00006.
gnomAD v4.1: 65 of 1,613,750 alleles (0.004%); highest among the groups gnomAD compares: African/African-American, 0.0053%; 1 homozygote.

Submissions (5):

Labcorp Genetics (formerly Invitae), Labcorp
Classification: Uncertain significance for Nemaline myopathy 2. Last evaluated: 2026-01-12. Review status: criteria provided, single submitter. Criteria: Invitae Variant Classification Sherloc (09022015). Collection method: clinical testing. Allele origin: germline.
Comment: This sequence change replaces arginine, which is basic and polar, with tryptophan, which is neutral and slightly polar, at codon 3295 of the NEB protein (p.Arg3295Trp). This variant is present in population databases (rs750990726, gnomAD 0.008%). This variant has not been reported in the literature in individuals affected with NEB-related conditions. ClinVar contains an entry for this variant (Variation ID: 968450). Experimental studies and prediction algorithms are not available or were not evaluated, and the functional significance of this variant is currently unknown. In summary, the available evidence is currently insufficient to determine the role of this variant in disease. Therefore, it has been classified as a Variant of Uncertain Significance.

CeGaT Center for Human Genetics Tuebingen
Classification: Uncertain significance. Last evaluated: 2025-10-01. Review status: criteria provided, single submitter. Criteria: CeGaT Center For Human Genetics Tuebingen Variant Classification Criteria Version 2. Collection method: clinical testing. Allele origin: germline. Affected: yes. Observed: 1 variant allele.
Comment: NEB: PM2

Blueprint Genetics
Classification: Uncertain significance. Last evaluated: 2024-11-17. Review status: criteria provided, single submitter. Criteria: ACMG Guidelines, 2015. Collection method: clinical testing. Allele origin: germline.

Clinical Genetics Laboratory, University Hospital Schleswig-Holstein
Classification: Uncertain significance for Nemaline myopathy 2. Last evaluated: 2024-08-05. Review status: no assertion criteria provided. Collection method: clinical testing. Allele origin: germline. Affected: yes. Not counted in ClinVar's aggregate classification.

Natera, Inc.
Classification: Uncertain significance for Nemaline myopathy type 2. Last evaluated: 2020-02-26. Review status: no assertion criteria provided. Collection method: clinical testing. Allele origin: germline. Not counted in ClinVar's aggregate classification.